The following is an entry in ClinVar:

ClinVar aggregate classification (germline): Benign. Review status: criteria provided, multiple submitters, no conflicts (2 of 4 stars). 9 submissions from 9 submitters: Benign (7). 2 of the submissions do not count toward it. Last evaluated 2026-05-08.

Conditions:
3M syndrome 2. Also called: 3-M Syndrome, OBSL1-Related; THREE M SYNDROME 2. Identifiers: Orphanet 2616, MedGen C2752041, MONDO:0013039, OMIM 612921.

Allele frequency attached by ClinVar (database versions not stated): 1000 Genomes Project 30x 0.98423; 1000 Genomes Project 0.98522; TOPMed 0.98645; gnomAD 0.98738 and 0.98815; ESP Exome Variant Server 0.98775; ExAC 0.99608; gnomAD exomes 0.99668 and 0.99879.

Submissions (9):

Women's Health and Genetics/Laboratory Corporation of America, LabCorp
Classification: Benign. Last evaluated: 2026-05-08. Review status: criteria provided, single submitter. Criteria: LabCorp Variant Classification Summary - May 2015. Collection method: clinical testing. Allele origin: germline.

Labcorp Genetics (formerly Invitae), Labcorp
Classification: Benign. Last evaluated: 2026-02-04. Review status: criteria provided, single submitter. Criteria: Invitae Variant Classification Sherloc (09022015). Collection method: clinical testing. Allele origin: germline.

Blueprint Genetics
Classification: Benign. Last evaluated: 2024-11-26. Review status: criteria provided, single submitter. Criteria: ACMG Guidelines, 2015. Collection method: clinical testing. Allele origin: germline.

Genome-Nilou Lab
Classification: Benign for 3M syndrome 2. Last evaluated: 2021-09-05. Review status: criteria provided, single submitter. Criteria: ACMG Guidelines, 2015. Collection method: clinical testing. Allele origin: germline. Affected: no.

GeneDx
Classification: Benign. Last evaluated: 2021-03-26. Review status: criteria provided, single submitter. Criteria: GeneDx Variant Classification Process June 2021. Collection method: clinical testing. Allele origin: germline. Affected: yes.

Illumina Laboratory Services, Illumina
Classification: Benign for 3M syndrome 2. Last evaluated: 2018-01-13. Review status: criteria provided, single submitter. Criteria: ICSL Variant Classification Criteria 13 December 2019. Collection method: clinical testing. Allele origin: germline.
Comment: This variant was observed in the ICSL laboratory as part of a predisposition screen in an ostensibly healthy population. It had not been previously curated by ICSL or reported in the Human Gene Mutation Database (HGMD: prior to June 1st, 2018), and was therefore a candidate for classification through an automated scoring system. Utilizing variant allele frequency, disease prevalence and penetrance estimates, and inheritance mode, an automated score was calculated to assess if this variant is too frequent to cause the disease. Based on the score and internal cut-off values, a variant classified as benign is not then subjected to further curation. The score for this variant resulted in a classification of benign for this disease.

Breakthrough Genomics
Classification: Benign. Review status: criteria provided, single submitter. Criteria: ACMG Guidelines, 2015. Collection method: not provided. Allele origin: germline. Inheritance: Autosomal recessive inheritance. Affected: yes.

Diagnostic Laboratory, Department of Genetics, University Medical Center Groningen
Classification: Benign. Review status: no assertion criteria provided. Collection method: clinical testing. Allele origin: germline. Affected: yes. Study: VKGL Data-share Consensus. Not counted in ClinVar's aggregate classification.

Joint Genome Diagnostic Labs from Nijmegen and Maastricht, Radboudumc and MUMC+
Classification: Benign. Review status: no assertion criteria provided. Collection method: clinical testing. Allele origin: germline. Affected: yes. Study: VKGL Data-share Consensus. Not counted in ClinVar's aggregate classification.

NM_015311.3(OBSL1):c.4836A>G (p.Thr1612=)

Gene: OBSL1 (obscurin like cytoskeletal adaptor 1; minus strand). Cytogenetic location: 2q35.
Variant type: single nucleotide variant.
Coding change: c.4836A>G on transcript NM_015311.3 (MANE Select); coding-DNA position 4836, A replaced by G.
Protein change: p.Thr1612=; no amino-acid change (threonine 1612 retained).
Molecular consequence: synonymous variant.
Genome position (GRCh38, 1-based): chr2:219,554,514, T>C on the plus strand (A>G on the coding strand, the complement: OBSL1 is on the minus strand). VCF-style: chr2-219554514-T-C. GRCh37 (hg19) VCF-style: chr2-220419236-T-C.
Identifiers: ClinVar variation 334466 (VCV000334466.25), dbSNP rs10932813, ClinGen allele CA2130422.